The following is an entry in ClinVar:

ClinVar aggregate classification (germline): Likely pathogenic (1 of 4 stars; one submission).

Conditions:
Developmental and epileptic encephalopathy, 25 (DEE25). Also called: Epileptic encephalopathy, early infantile, 25; Developmental and epileptic encephalopathy 25, with amelogenesis imperfecta; Epileptic encephalopathy, early infantile, 25, with amelogenesis imperfecta. Identifiers: Orphanet 442835, MedGen C4014621, MONDO:0014392, OMIM 615905.

Submission:

Labcorp Genetics (formerly Invitae), Labcorp
Classification: Likely pathogenic for Developmental and epileptic encephalopathy, 25. Last evaluated: 2023-02-18. Review status: criteria provided, single submitter. Criteria: Invitae Variant Classification Sherloc (09022015). Collection method: clinical testing. Allele origin: germline.
Comment: In summary, the currently available evidence indicates that the variant is pathogenic, but additional data are needed to prove that conclusively. Therefore, this variant has been classified as Likely Pathogenic. Algorithms developed to predict the effect of sequence changes on RNA splicing suggest that this variant may disrupt the consensus splice site. This variant has not been reported in the literature in individuals affected with SLC13A5-related conditions. This variant is not present in population databases (gnomAD no frequency). This sequence change affects a splice site in intron 8 of the SLC13A5 gene. It is expected to disrupt RNA splicing. Variants that disrupt the donor or acceptor splice site typically lead to a loss of protein function (PMID: 16199547), and loss-of-function variants in SLC13A5 are known to be pathogenic (PMID: 24995870, 26384929).

Literature cited by the submitters: PubMed 16199547; PubMed 24995870; PubMed 26384929.

NM_177550.5(SLC13A5):c.1156+1_1156+5del

Gene: SLC13A5 (solute carrier family 13 member 5; minus strand). Cytogenetic location: 17p13.1.
Variant type: Deletion.
Coding change: c.1156+1_1156+5del on transcript NM_177550.5 (MANE Select); the canonical splice donor site of the intron after coding-DNA position 1156 through 5 bases into the intron after coding-DNA position 1156, 5 bases deleted (GTAAG; older notation c.1156+1_1156+5delGTAAG).
Molecular consequence: splice donor variant.
Genome position (GRCh38, 1-based): chr17:6,694,092-6,694,096, CTTAC deleted on the plus strand (GTAAG on the coding strand, the reverse complement: SLC13A5 is on the minus strand); deleting any 5 consecutive bases within chr17:6,694,092-6,694,099 gives the same sequence; the c. name uses the placement nearest the transcript's 3' end. VCF-style (leftmost placement, unchanged base first): chr17-6694091-ACTTAC-A. GRCh37 (hg19) VCF-style: chr17-6597410-ACTTAC-A.
Other names: c.1027+1_1027+5del (NM_001284510.2); c.1105+1_1105+5del (NM_001284509.2); c.1156+1_1156+5del (NM_001143838.3).
Identifiers: ClinVar variation 2838947 (VCV002838947.3), dbSNP rs2544620374, ClinGen allele CA2739267073.